The following is an entry in ClinVar:

ClinVar aggregate classification (germline): Uncertain significance. Review status: criteria provided, multiple submitters, no conflicts (2 of 4 stars). 3 submissions from 3 submitters: Uncertain significance (3). Last evaluated 2017-09-18.

Conditions:
Dilated cardiomyopathy 1G (CMD1G). Identifiers: Orphanet 154, MedGen C1858763, MONDO:0011400, OMIM 604145.
Autosomal recessive limb-girdle muscular dystrophy type 2J (LGMDR10). Also called: Limb-girdle muscular dystrophy, type 2J; MUSCULAR DYSTROPHY, LIMB-GIRDLE, AUTOSOMAL RECESSIVE 10. Identifiers: Orphanet 140922, MedGen C1837342, MONDO:0012127, OMIM 608807.
Cardiomyopathy (CMYO). Also called: Cardiomyopathies. Identifiers: Orphanet 167848, MedGen C0878544, MONDO:0004994, HP:0001638. Inheritance: Various modes of inheritance.

Submissions (3):

Labcorp Genetics (formerly Invitae), Labcorp
Classification: Uncertain significance for Dilated cardiomyopathy 1G; Autosomal recessive limb-girdle muscular dystrophy type 2J. Last evaluated: 2017-09-18. Review status: criteria provided, single submitter. Criteria: Invitae Variant Classification Sherloc (09022015). Collection method: clinical testing. Allele origin: germline.

CHEO Genetics Diagnostic Laboratory, Children's Hospital of Eastern Ontario
Classification: Uncertain significance for Cardiomyopathy. Last evaluated: 2015-09-21. Review status: criteria provided, single submitter. Criteria: ACMG Guidelines, 2015. Collection method: clinical testing. Allele origin: germline. Study: Canadian Open Genetics Repository.

Laboratory for Molecular Medicine, Mass General Brigham Personalized Medicine
Classification: Uncertain significance. Last evaluated: 2013-10-14. Review status: criteria provided, single submitter. Criteria: LMM Criteria. Collection method: clinical testing. Allele origin: germline. Observed: 1 variant allele.
Comment: The Pro10840Ser variant in TTN has not been previously reported in individuals w ith cardiomyopathy . This variant is a deletion and insertion of an equal number of bases that results in a missense change at the protein level, but does not a lter the protein reading frame. Computational analyses (biochemical amino acid p roperties, conservation, AlignGVGD, PolyPhen2, and SIFT) do not provide strong s upport for or against an impact to the protein. Additional information is needed to fully assess the clinical significance of this variant.

NM_001267550.2(TTN):c.39819_39820delinsTT (p.Pro13274Ser)

Gene: TTN (titin; minus strand). Cytogenetic location: 2q31.2.
Variant type: Indel.
Coding change: c.39819_39820delinsTT on transcript NM_001267550.2 (MANE Select); coding-DNA positions 39819 to 39820, GC replaced by TT.
Protein change: p.Pro13274Ser; replaces proline 13274 with serine.
Molecular consequence: missense variant. On other transcripts: intron variant (3).
Genome position (GRCh38, 1-based): chr2:178,649,892-178,649,893, GC replaced by AA on the plus strand (GC replaced by TT on the coding strand, the reverse complement: TTN is on the minus strand). VCF-style: chr2-178649892-GC-AA. GRCh37 (hg19) VCF-style: chr2-179514619-GC-AA.
Other names: c.32517_32518delinsTT, p.Pro10840Ser (NM_133378.4); c.13283-7576_13283-7575delinsTT (NM_003319.4); c.13859-7576_13859-7575delinsTT (NM_133437.4); c.13658-7576_13658-7575delinsTT (NM_133432.3); c.39819_39820delGCinsTT (NM_001267550.2); short protein forms P10840S, P13274S.
Identifiers: ClinVar variation 166079 (VCV000166079.9), dbSNP rs727503630, ClinGen allele CA178868.
Genomic context (GRCh38, chr2:178,649,892, plus strand): 5'-CTTCTGGTTTTTTGATGACAGGAACTTTCTTCTCTGGGATGATCTTCTTGGGCTCTTCAG[GC>AA]ACTTGAATAATAGGAATTTCTTTTAGAATTAGGTGATTACAATGAAAAATTTAATGCTAA-3'
Protein context (NP_001254479.2, residues 13264-13284): EEPEVPPPAV[Pro13274Ser]EEPKKIIPEK